The following is an entry in ClinVar:

ClinVar aggregate classification (germline): Uncertain significance. Review status: criteria provided, multiple submitters, no conflicts (2 of 4 stars). 2 submissions from 2 submitters: Uncertain significance (2). Last evaluated 2024-10-24.

Allele frequency attached by ClinVar (database versions not stated): TOPMed below 0.00001; ExAC 0.00001; gnomAD exomes 0.00001.
gnomAD v4.1: 9 of 1,613,208 alleles (0.00056%); highest among the groups gnomAD compares: Non-Finnish European, 0.00076%; no homozygotes.

Submissions (2):

Labcorp Genetics (formerly Invitae), Labcorp
Classification: Uncertain significance. Last evaluated: 2024-10-24. Review status: criteria provided, single submitter. Criteria: Invitae Variant Classification Sherloc (09022015). Collection method: clinical testing. Allele origin: germline.
Comment: This sequence change replaces glycine, which is neutral and non-polar, with arginine, which is basic and polar, at codon 1646 of the DSCAML1 protein (p.Gly1646Arg). This variant is present in population databases (rs747091781, gnomAD 0.002%). This variant has not been reported in the literature in individuals affected with DSCAML1-related conditions. ClinVar contains an entry for this variant (Variation ID: 1418360). An algorithm developed to predict the effect of missense changes on protein structure and function (PolyPhen-2) suggests that this variant is likely to be disruptive. In summary, the available evidence is currently insufficient to determine the role of this variant in disease. Therefore, it has been classified as a Variant of Uncertain Significance.

Ambry Genetics
Classification: Uncertain significance. Last evaluated: 2022-09-06. Review status: criteria provided, single submitter. Criteria: Ambry Variant Classification Scheme 2023. Collection method: clinical testing. Allele origin: germline.

NM_020693.4(DSCAML1):c.4756G>C (p.Gly1586Arg)

Gene: DSCAML1 (DS cell adhesion molecule like 1; minus strand). Cytogenetic location: 11q23.3.
Variant type: single nucleotide variant.
Coding change: c.4756G>C on transcript NM_020693.4 (MANE Select); coding-DNA position 4756, G replaced by C.
Protein change: p.Gly1586Arg; replaces glycine 1586 with arginine.
Molecular consequence: missense variant.
Genome position (GRCh38, 1-based): chr11:117,435,764, C>G on the plus strand (G>C on the coding strand, the complement: DSCAML1 is on the minus strand). VCF-style: chr11-117435764-C-G. GRCh37 (hg19) VCF-style: chr11-117306480-C-G.
Other names: c.4936G>C (NM_020693.2); short protein forms G1586R.
Identifiers: ClinVar variation 1418360 (VCV001418360.7), dbSNP rs747091781, ClinGen allele CA6296273.